The following is an entry in ClinVar:

ClinVar aggregate classification (germline): Conflicting classifications of pathogenicity. Review status: criteria provided, conflicting classifications (1 of 4 stars). 2 submissions from 2 submitters: Likely pathogenic (1); Uncertain significance (1). Last evaluated 2024-11-05.

Submissions (2):

Labcorp Genetics (formerly Invitae), Labcorp
Classification: Uncertain significance. Last evaluated: 2024-11-05. Review status: criteria provided, single submitter. Criteria: Invitae Variant Classification Sherloc (09022015). Collection method: clinical testing. Allele origin: germline.
Comment: This sequence change creates a premature translational stop signal (p.Thr27Asnfs*14) in the LIPT1 gene. While this is not anticipated to result in nonsense mediated decay, it is expected to disrupt the last 347 amino acid(s) of the LIPT1 protein. The frequency data for this variant in the population databases is considered unreliable, as metrics indicate poor data quality at this position in the gnomAD database. This variant has not been reported in the literature in individuals affected with LIPT1-related conditions. ClinVar contains an entry for this variant (Variation ID: 452463). Experimental studies and prediction algorithms are not available or were not evaluated, and the functional significance of this variant is currently unknown. In summary, the available evidence is currently insufficient to determine the role of this variant in disease. Therefore, it has been classified as a Variant of Uncertain Significance.

GeneDx
Classification: Likely pathogenic. Last evaluated: 2017-10-13. Review status: criteria provided, single submitter. Criteria: GeneDx Variant Classification (06012015). Collection method: clinical testing. Allele origin: germline. Affected: yes.
Comment: The c.79dupA variant has not been published as a pathogenic variant, nor has it been reported as a benign variant to our knowledge. The c.79dupA variant is not observed at a significant frequency in large population cohorts (Lek et al., 2016). The c.79dupA variant causes a frameshift starting with codon Threonine 27, changes this amino acid to an Asparagine residue and creates a premature Stop codon at position 14 of the new reading frame, denoted p.Thr27AsnfsX14. This variant is predicted to cause loss of normal protein function through protein truncation. In summary, we interpret this variant as likely pathogenic.

NM_145199.3(LIPT1):c.79dup (p.Thr27fs)

Genes: LIPT1 (lipoyltransferase 1; plus strand), MITD1 (microtubule interacting and trafficking domain containing 1; minus strand). Cytogenetic location: 2q11.2.
Variant type: Duplication.
Coding change: c.79dup on transcript NM_145199.3 (MANE Select); coding-DNA position 79, one base duplicated (A; older notation c.79dupA).
Protein change: p.Thr27fs; shifts the reading frame from threonine 27.
Molecular consequence: frameshift variant. On other transcripts: non-coding transcript variant (2).
Genome position (GRCh38, 1-based): chr2:99,162,036, A duplicated; the last of 7 consecutive A bases (chr2:99,162,030-99,162,036); duplicating any one gives the same sequence. VCF-style (leftmost placement, unchanged base first): chr2-99162029-T-TA. GRCh37 (hg19) VCF-style: chr2-99778492-T-TA.
Other names: c.79dupA (NM_015929.3); c.79dup, p.Thr27fs (NM_001204830.2, NM_015929.4, NM_145197.3 and 1 more transcripts); short protein forms T27fs.
Identifiers: ClinVar variation 452463 (VCV000452463.7), dbSNP rs757713207, ClinGen allele CA1797272.